The following is an entry in ClinVar:

ClinVar aggregate classification (germline): Conflicting classifications of pathogenicity. Review status: criteria provided, conflicting classifications (1 of 4 stars). 7 submissions from 7 submitters: Uncertain significance (6); Benign (1). Last evaluated 2026-10-06.

Conditions:
GJB3-related disorder. Also called: GJB3-related condition.
Inborn genetic diseases. Identifiers: MedGen C0950123, MeSH D030342.
Autosomal dominant nonsyndromic hearing loss 2B. Also called: DEAFNESS, AUTOSOMAL DOMINANT, WITH OR WITHOUT PERIPHERAL NEUROPATHY. Identifiers: Orphanet 90635, MedGen C2675236, MONDO:0012976, OMIM 612644.
Erythrokeratodermia variabilis et progressiva 1 (EKVP1). Also called: ERYTHROKERATODERMIA VARIABILIS WITH ERYTHEMA GYRATUM REPENS; ERYTHROKERATODERMIA, PROGRESSIVE SYMMETRIC; ERYTHROKERATODERMIA FIGURATA, CONGENITAL FAMILIAL, IN PLAQUES. Identifiers: Orphanet 317, MedGen C4551486, MONDO:0033010, OMIM 133200.

Allele frequency attached by ClinVar (database versions not stated): TOPMed 0.00012; gnomAD 0.00014 and 0.00015; gnomAD exomes 0.00014; ESP Exome Variant Server 0.00023; ExAC 0.00016.

Submissions (7):

GeneDx
Classification: Uncertain significance. Last evaluated: 2026-10-06. Review status: criteria provided, single submitter. Criteria: GeneDx Variant Classification Process June 2021. Collection method: clinical testing. Allele origin: germline.
Comment: In silico analysis supports that this missense variant has a deleterious effect on protein structure/function; Has not been previously published as pathogenic or benign to our knowledge

PreventionGenetics, part of Exact Sciences
Classification: Uncertain significance for GJB3-related condition. Last evaluated: 2026-09-01. Review status: criteria provided, single submitter. Criteria: ACMG Guidelines, 2015. Collection method: clinical testing. Allele origin: germline.
Comment: The GJB3 c.316C>T variant is predicted to result in the amino acid substitution p.Arg106Cys. To our knowledge, this variant has not been reported in the literature. This variant is reported in 0.039% of alleles in individuals of South Asian descent in gnomAD. At this time, the clinical significance of this variant is uncertain due to the absence of conclusive functional and genetic evidence.

Labcorp Genetics (formerly Invitae), Labcorp
Classification: Uncertain significance. Last evaluated: 2024-12-10. Review status: criteria provided, single submitter. Criteria: Invitae Variant Classification Sherloc (09022015). Collection method: clinical testing. Allele origin: germline.
Comment: This sequence change replaces arginine, which is basic and polar, with cysteine, which is neutral and slightly polar, at codon 106 of the GJB3 protein (p.Arg106Cys). This variant is present in population databases (rs147106166, gnomAD 0.04%). This variant has not been reported in the literature in individuals affected with GJB3-related conditions. ClinVar contains an entry for this variant (Variation ID: 876777). Invitae Evidence Modeling of protein sequence and biophysical properties (such as structural, functional, and spatial information, amino acid conservation, physicochemical variation, residue mobility, and thermodynamic stability) indicates that this missense variant is not expected to disrupt GJB3 protein function with a negative predictive value of 80%. In summary, the available evidence is currently insufficient to determine the role of this variant in disease. Therefore, it has been classified as a Variant of Uncertain Significance.

Ambry Genetics
Classification: Uncertain significance for Inborn genetic diseases. Last evaluated: 2024-02-26. Review status: criteria provided, single submitter. Criteria: Ambry Variant Classification Scheme 2023. Collection method: clinical testing. Allele origin: germline.

Revvity Omics, Revvity
Classification: Uncertain significance. Last evaluated: 2020-12-22. Review status: criteria provided, single submitter. Criteria: ACMG Guidelines, 2015. Collection method: clinical testing. Allele origin: germline.

Baylor Genetics
Classification: Uncertain significance for Autosomal dominant nonsyndromic hearing loss 2B. Last evaluated: 2018-01-25. Review status: criteria provided, single submitter. Criteria: ACMG Guidelines, 2015. Collection method: clinical testing. Allele origin: paternal. Affected: yes.
Comment: This variant was determined to be of uncertain significance according to ACMG Guidelines, 2015 [PMID:25741868].

Illumina Laboratory Services, Illumina
Classification: Benign for Erythrokeratodermia variabilis et progressiva 1. Last evaluated: 2018-01-12. Review status: criteria provided, single submitter. Criteria: ICSL Variant Classification Criteria 13 December 2019. Collection method: clinical testing. Allele origin: germline.
Comment: This variant was observed in the ICSL laboratory as part of a predisposition screen in an ostensibly healthy population. It had not been previously curated by ICSL or reported in the Human Gene Mutation Database (HGMD: prior to June 1st, 2018), and was therefore a candidate for classification through an automated scoring system. Utilizing variant allele frequency, disease prevalence and penetrance estimates, and inheritance mode, an automated score was calculated to assess if this variant is too frequent to cause the disease. Based on the score and internal cut-off values, a variant classified as benign is not then subjected to further curation. The score for this variant resulted in a classification of benign for this disease.

NM_024009.3(GJB3):c.316C>T (p.Arg106Cys)

Gene: GJB3 (gap junction protein beta 3; plus strand). Cytogenetic location: 1p34.3.
Variant type: single nucleotide variant.
Coding change: c.316C>T on transcript NM_024009.3 (MANE Select); coding-DNA position 316, C replaced by T.
Protein change: p.Arg106Cys; replaces arginine 106 with cysteine.
Molecular consequence: missense variant.
Genome position (GRCh38, 1-based): chr1:34,785,078, C>T. VCF-style: chr1-34785078-C-T. GRCh37 (hg19) VCF-style: chr1-35250679-C-T.
Other names: c.316C>T, p.Arg106Cys (NM_001005752.2); short protein forms R106C.
Identifiers: ClinVar variation 876777 (VCV000876777.20), dbSNP rs147106166, ClinGen allele CA754806.